The following is an entry in ClinVar:

NM_178014.4(TUBB):c.139A>G (p.Ile47Val)

Gene: TUBB (tubulin beta class I; plus strand). Cytogenetic location: 6p21.33.
Variant type: single nucleotide variant.
Coding change: c.139A>G on transcript NM_178014.4 (MANE Select); coding-DNA position 139, A replaced by G.
Protein change: p.Ile47Val; replaces isoleucine 47 with valine.
Molecular consequence: missense variant. On other transcripts: 5 prime UTR variant (2), non-coding transcript variant (1), intron variant (1).
Genome position (GRCh38, 1-based): chr6:30,722,618, A>G. VCF-style: chr6-30722618-A-G. GRCh37 (hg19) VCF-style: chr6-30690395-A-G.
Other names: c.139A>G (NM_178014.3); c.199A>G, p.Ile67Val (NM_001293212.2); c.139A>G, p.Ile47Val (NM_001293213.2); c.-78A>G (NM_001293215.2, NM_001293216.2); c.35-300A>G (NM_001293214.2); short protein forms I47V, I67V.
Identifiers: ClinVar variation 976678 (VCV000976678.5), dbSNP rs1776361528, ClinGen allele CA363142797.

ClinVar aggregate classification (germline): Conflicting classifications of pathogenicity. Review status: criteria provided, conflicting classifications (1 of 4 stars). 3 submissions from 3 submitters: Likely pathogenic (1); Uncertain significance (1). 1 of the submissions does not count toward it. Last evaluated 2026-05-15.

Conditions:
Complex cortical dysplasia with other brain malformations 6. Identifiers: MedGen C4014283, MONDO:0014341, OMIM 615771.
TUBB-related disorder. Also called: TUBB-related condition.

Submissions (3):

PreventionGenetics, part of Exact Sciences
Classification: Uncertain significance for TUBB-related condition. Last evaluated: 2026-05-15. Review status: criteria provided, single submitter. Criteria: ACMG Guidelines, 2015. Collection method: clinical testing. Allele origin: germline.
Comment: The TUBB c.139A>G variant is predicted to result in the amino acid substitution p.Ile47Val. This variant was reported in a patient with cortical dysplasia, complex, with other brain malformations and it occurred de novo (Brunet et al. 2021. PubMed ID: 33619735). This variant has not been reported in a large population database (gnomAD), indicating this variant is rare. This variant is interpreted as likely pathogenic in ClinVar (Variation ID: 976678 ). Although we suspect that this variant may be pathogenic, at this time, the clinical significance of this variant is uncertain due to the absence of conclusive functional and genetic evidence.

Institute of Human Genetics Munich, TUM University Hospital
Classification: Likely pathogenic for Complex cortical dysplasia with other brain malformations 6. Last evaluated: 2020-04-19. Review status: criteria provided, single submitter. Criteria: Classification criteria August 2017. Collection method: clinical testing. Allele origin: de novo. Inheritance: Autosomal dominant inheritance. Affected: yes. Observed: 1 heterozygote.

Clinical Genetics Laboratory, University Hospital Schleswig-Holstein
Classification: Likely pathogenic for Complex cortical dysplasia with other brain malformations 6. Last evaluated: 2024-01-11. Review status: no assertion criteria provided. Collection method: clinical testing. Allele origin: germline. Affected: yes. Not counted in ClinVar's aggregate classification.